The following is an entry in ClinVar:

NM_145868.2(ANXA11):c.409G>A (p.Gly137Arg)

Gene: ANXA11 (annexin A11; minus strand). Cytogenetic location: 10q22.3.
Variant type: single nucleotide variant.
Coding change: c.409G>A on transcript NM_145868.2 (MANE Select); coding-DNA position 409, G replaced by A.
Protein change: p.Gly137Arg; replaces glycine 137 with arginine.
Molecular consequence: missense variant.
Genome position (GRCh38, 1-based): chr10:80,169,121, C>T on the plus strand (G>A on the coding strand, the complement: ANXA11 is on the minus strand). VCF-style: chr10-80169121-C-T. GRCh37 (hg19) VCF-style: chr10-81928877-C-T.
Other names: c.409G>A, p.Gly137Arg (NM_001157.3, NM_001278407.2, NM_001278408.2 and 1 more transcripts); c.310G>A, p.Gly104Arg (NM_001278409.2); short protein forms G104R, G137R.
Identifiers: ClinVar variation 2069548 (VCV002069548.4), dbSNP rs530828539, ClinGen allele CA5576287.

ClinVar aggregate classification (germline): Uncertain significance (1 of 4 stars; one submission).

Allele frequency attached by ClinVar (database versions not stated): TOPMed 0.00003; gnomAD 0.00003; gnomAD exomes 0.00002; 1000 Genomes Project 30x 0.00016; 1000 Genomes Project 0.00020; ExAC 0.00006.

Submission:

Labcorp Genetics (formerly Invitae), Labcorp
Classification: Uncertain significance. Last evaluated: 2024-06-20. Review status: criteria provided, single submitter. Criteria: Invitae Variant Classification Sherloc (09022015). Collection method: clinical testing. Allele origin: germline.
Comment: This sequence change replaces glycine, which is neutral and non-polar, with arginine, which is basic and polar, at codon 137 of the ANXA11 protein (p.Gly137Arg). This variant is present in population databases (rs530828539, gnomAD 0.04%). This missense change has been observed in individual(s) with amyotrophic lateral sclerosis (PMID: 33087501). ClinVar contains an entry for this variant (Variation ID: 2069548). Experimental studies and prediction algorithms are not available or were not evaluated, and the functional significance of this variant is currently unknown. In summary, the available evidence is currently insufficient to determine the role of this variant in disease. Therefore, it has been classified as a Variant of Uncertain Significance.

Literature cited by the submitters: PubMed 33087501.